The following is an entry in ClinVar:

NM_000081.4(LYST):c.1897A>G (p.Lys633Glu)

Gene: LYST (lysosomal trafficking regulator; minus strand). Cytogenetic location: 1q42.3.
Variant type: single nucleotide variant.
Coding change: c.1897A>G on transcript NM_000081.4 (MANE Select); coding-DNA position 1897, A replaced by G.
Protein change: p.Lys633Glu; replaces lysine 633 with glutamic acid.
Molecular consequence: missense variant.
Genome position (GRCh38, 1-based): chr1:235,808,921, T>C on the plus strand (A>G on the coding strand, the complement: LYST is on the minus strand). VCF-style: chr1-235808921-T-C. GRCh37 (hg19) VCF-style: chr1-235972221-T-C.
Other names: c.1897A>G, p.Lys633Glu (NM_001301365.1); short protein forms K633E.
Identifiers: ClinVar variation 1361670 (VCV001361670.4), dbSNP rs747022808, ClinGen allele CA39617848.

ClinVar aggregate classification (germline): Uncertain significance (1 of 4 stars; one submission).

Conditions:
Chédiak-Higashi syndrome (CHS). Also called: Chediak-Higashi Syndrome. Identifiers: Orphanet 167, MedGen C0007965, MONDO:0008963, OMIM 214500.

gnomAD v4.1: 2 of 1,612,538 alleles (0.00012%); highest among the groups gnomAD compares: Non-Finnish European, 0.00017%; no homozygotes.

Submission:

Labcorp Genetics (formerly Invitae), Labcorp
Classification: Uncertain significance for Chédiak-Higashi syndrome. Last evaluated: 2024-08-12. Review status: criteria provided, single submitter. Criteria: Invitae Variant Classification Sherloc (09022015). Collection method: clinical testing. Allele origin: germline.
Comment: This sequence change replaces lysine, which is basic and polar, with glutamic acid, which is acidic and polar, at codon 633 of the LYST protein (p.Lys633Glu). This variant is not present in population databases (gnomAD no frequency). This variant has not been reported in the literature in individuals affected with LYST-related conditions. ClinVar contains an entry for this variant (Variation ID: 1361670). Advanced modeling of protein sequence and biophysical properties (such as structural, functional, and spatial information, amino acid conservation, physicochemical variation, residue mobility, and thermodynamic stability) performed at Invitae indicates that this missense variant is not expected to disrupt LYST protein function with a negative predictive value of 80%. In summary, the available evidence is currently insufficient to determine the role of this variant in disease. Therefore, it has been classified as a Variant of Uncertain Significance.